The following is an entry in ClinVar:

ClinVar aggregate classification (germline): Likely benign (1 of 4 stars; one submission).

Submission:

CeGaT Center for Human Genetics Tuebingen
Classification: Likely benign. Last evaluated: 2025-09-01. Review status: criteria provided, single submitter. Criteria: CeGaT Center For Human Genetics Tuebingen Variant Classification Criteria Version 2. Collection method: clinical testing. Allele origin: germline. Affected: yes. Observed: 1 variant allele.
Comment: SYNCRIP: PM2:Supporting, BP4, BP7

NM_006372.5(SYNCRIP):c.180A>G (p.Arg60=)

Gene: SYNCRIP (synaptotagmin binding cytoplasmic RNA interacting protein; minus strand). Cytogenetic location: 6q14.3.
Variant type: single nucleotide variant.
Coding change: c.180A>G on transcript NM_006372.5 (MANE Select); coding-DNA position 180, A replaced by G.
Protein change: p.Arg60=; no amino-acid change (arginine 60 retained).
Molecular consequence: synonymous variant. On other transcripts: 5 prime UTR variant (4).
Genome position (GRCh38, 1-based): chr6:85,640,533, T>C on the plus strand (A>G on the coding strand, the complement: SYNCRIP is on the minus strand). VCF-style: chr6-85640533-T-C. GRCh37 (hg19) VCF-style: chr6-86350251-T-C.
Other names: c.-115A>G (NM_001159673.2, NM_001410938.1, NM_001439159.1); c.180A>G, p.Arg60= (NM_001159674.2, NM_001159675.2, NM_001159676.2 and 5 more transcripts); c.-251A>G (NM_001253771.2).
Identifiers: ClinVar variation 4281507 (VCV004281507.7).